The following is an entry in ClinVar:

NM_000257.4(MYH7):c.838G>A (p.Glu280Lys)

Gene: MYH7 (myosin heavy chain 7; minus strand). Cytogenetic location: 14q11.2.
Variant type: single nucleotide variant.
Coding change: c.838G>A on transcript NM_000257.4 (MANE Select); coding-DNA position 838, G replaced by A.
Protein change: p.Glu280Lys; replaces glutamic acid 280 with lysine.
Molecular consequence: missense variant.
Genome position (GRCh38, 1-based): chr14:23,430,958, C>T on the plus strand (G>A on the coding strand, the complement: MYH7 is on the minus strand). VCF-style: chr14-23430958-C-T. GRCh37 (hg19) VCF-style: chr14-23900167-C-T.
Other names: c.838G>A, p.Glu280Lys (NM_001407004.1); short protein forms E280K.
Identifiers: ClinVar variation 1995026 (VCV001995026.4), dbSNP rs2502310189, ClinGen allele CA389051935.

ClinVar aggregate classification (germline): Uncertain significance (1 of 4 stars; one submission).

Conditions:
Hypertrophic cardiomyopathy. Also called: HYPERTROPHIC MYOCARDIOPATHY. Identifiers: Orphanet 217569, MedGen C0007194, MeSH D002312, MONDO:0005045, HP:0001639.

Submission:

Labcorp Genetics (formerly Invitae), Labcorp
Classification: Uncertain significance for Hypertrophic cardiomyopathy. Last evaluated: 2022-05-16. Review status: criteria provided, single submitter. Criteria: Invitae Variant Classification Sherloc (09022015). Collection method: clinical testing. Allele origin: germline.
Comment: This sequence change replaces glutamic acid, which is acidic and polar, with lysine, which is basic and polar, at codon 280 of the MYH7 protein (p.Glu280Lys). This variant is not present in population databases (gnomAD no frequency). This variant has not been reported in the literature in individuals affected with MYH7-related conditions. Algorithms developed to predict the effect of missense changes on protein structure and function are either unavailable or do not agree on the potential impact of this missense change (SIFT: "Deleterious"; PolyPhen-2: "Possibly Damaging"; Align-GVGD: "Class C0"). This variant is found within a region of MYH7 between codons 181 and 937 that contains the majority of the myosin head domain. Missense variants in this region have been shown to be significantly overrepresented in individuals with hypertrophic cardiomyopathy (PMID: 27532257). In summary, the available evidence is currently insufficient to determine the role of this variant in disease. Therefore, it has been classified as a Variant of Uncertain Significance.

Literature cited by the submitters: PubMed 27532257.